The following is an entry in ClinVar:

ClinVar aggregate classification (germline): Uncertain significance (1 of 4 stars; one submission).

Conditions:
Cardiovascular phenotype. Identifiers: MedGen CN230736.

Submission:

Ambry Genetics
Classification: Uncertain significance for Cardiovascular phenotype. Last evaluated: 2025-05-30. Review status: criteria provided, single submitter. Criteria: Ambry Variant Classification Scheme 2023. Collection method: clinical testing. Allele origin: germline.
Comment: The p.W822C variant (also known as c.2466G>T), located in coding exon 14 of the EPHB4 gene, results from a G to T substitution at nucleotide position 2466. The tryptophan at codon 822 is replaced by cysteine, an amino acid with highly dissimilar properties. This amino acid position is conserved. In addition, this alteration is predicted to be deleterious by in silico analysis. Based on the available evidence, the clinical significance of this variant remains unclear.

NM_004444.5(EPHB4):c.2466G>T (p.Trp822Cys)

Genes: EPHB4 (EPH receptor B4; minus strand), LOC126860124 (CDK7 strongly-dependent group 2 enhancer GRCh37_chr7:100403701-100404900; plus strand). Cytogenetic location: 7q22.1.
Variant type: single nucleotide variant.
Coding change: c.2466G>T on transcript NM_004444.5 (MANE Select); coding-DNA position 2466, G replaced by T.
Protein change: p.Trp822Cys; replaces tryptophan 822 with cysteine.
Molecular consequence: missense variant.
Genome position (GRCh38, 1-based): chr7:100,806,438, C>A on the plus strand (G>T on the coding strand, the complement: EPHB4 is on the minus strand). VCF-style: chr7-100806438-C-A. GRCh37 (hg19) VCF-style: chr7-100404060-C-A.
Other names: short protein forms W822C.
Identifiers: ClinVar variation 4018816 (VCV004018816.1).